The following is an entry in ClinVar:

NM_002461.3(MVD):c.232C>A (p.Arg78=)

Gene: MVD (mevalonate diphosphate decarboxylase; minus strand). Cytogenetic location: 16q24.2.
Variant type: single nucleotide variant.
Coding change: c.232C>A on transcript NM_002461.3 (MANE Select); coding-DNA position 232, C replaced by A.
Protein change: p.Arg78=; no amino-acid change (arginine 78 retained).
Molecular consequence: synonymous variant.
Genome position (GRCh38, 1-based): chr16:88,657,939, G>T on the plus strand (C>A on the coding strand, the complement: MVD is on the minus strand). VCF-style: chr16-88657939-G-T. GRCh37 (hg19) VCF-style: chr16-88724347-G-T.
Other names: c.232C>A (NM_002461.2).
Identifiers: ClinVar variation 1321178 (VCV001321178.5), dbSNP rs2279258, ClinGen allele CA8229056.

ClinVar aggregate classification (germline): Benign. Review status: criteria provided, multiple submitters, no conflicts (2 of 4 stars). 3 submissions from 3 submitters: Benign (2). 1 of the submissions does not count toward it. Last evaluated 2021-09-05.

Conditions:
Porokeratosis 7, multiple types. Also called: POROK7. Identifiers: MedGen C3553549, MONDO:0013868, OMIM 614714.
MVD-related disorder. Also called: MVD-related condition.

Allele frequency attached by ClinVar (database versions not stated): 1000 Genomes Project 30x 0.49391; 1000 Genomes Project 0.49840; ESP Exome Variant Server 0.55056; TOPMed 0.55485.

Submissions (3):

Genome-Nilou Lab
Classification: Benign for Porokeratosis 7, multiple types. Last evaluated: 2021-09-05. Review status: criteria provided, single submitter. Criteria: ACMG Guidelines, 2015. Collection method: clinical testing. Allele origin: germline. Affected: no.

Breakthrough Genomics
Classification: Benign. Review status: criteria provided, single submitter. Criteria: ACMG Guidelines, 2015. Collection method: not provided. Allele origin: germline. Inheritance: Autosomal dominant inheritance. Affected: yes.

PreventionGenetics, part of Exact Sciences
Classification: Benign for MVD-related condition. Last evaluated: 2019-09-24. Review status: no assertion criteria provided. Collection method: clinical testing. Allele origin: germline. Not counted in ClinVar's aggregate classification.
Comment: This variant is classified as benign based on ACMG/AMP sequence variant interpretation guidelines (Richards et al. 2015 PMID: 25741868, with internal and published modifications).